The following is an entry in ClinVar:

NM_015459.5(ATL3):c.1565C>T (p.Thr522Ile)

Genes: ATL3 (atlastin GTPase 3; minus strand), LNCROPM (lncRNA regulator of PLAAT3 mediated phospholipid metabolism; plus strand). Cytogenetic location: 11q13.1.
Variant type: single nucleotide variant.
Coding change: c.1565C>T on transcript NM_015459.5 (MANE Select); coding-DNA position 1565, C replaced by T.
Protein change: p.Thr522Ile; replaces threonine 522 with isoleucine.
Molecular consequence: missense variant.
Genome position (GRCh38, 1-based): chr11:63,629,380, G>A on the plus strand (C>T on the coding strand, the complement: ATL3 is on the minus strand). VCF-style: chr11-63629380-G-A. GRCh37 (hg19) VCF-style: chr11-63396852-G-A.
Other names: c.1511C>T, p.Thr504Ile (NM_001290048.2); c.1565C>T (NM_015459.3); short protein forms T504I, T522I.
Identifiers: ClinVar variation 649793 (VCV000649793.11), dbSNP rs767824020, ClinGen allele CA6063474.

ClinVar aggregate classification (germline): Uncertain significance. Review status: criteria provided, multiple submitters, no conflicts (2 of 4 stars). 2 submissions from 2 submitters: Uncertain significance (2). Last evaluated 2023-03-20.

Conditions:
Neuropathy, hereditary sensory, type 1F. Also called: Hereditary sensory neuropathy type IF; HSN IF. Identifiers: Orphanet 36386, MedGen C3810194, MONDO:0014286, OMIM 615632.

Allele frequency attached by ClinVar (database versions not stated): ExAC 0.00001; gnomAD exomes 0.00001; gnomAD 0.00002; TOPMed 0.00002.
gnomAD v4.1: 11 of 1,614,050 alleles (0.00068%); highest among the groups gnomAD compares: African/African-American, 0.004%; no homozygotes.

Submissions (2):

Labcorp Genetics (formerly Invitae), Labcorp
Classification: Uncertain significance for Neuropathy, hereditary sensory, type 1F. Last evaluated: 2023-03-20. Review status: criteria provided, single submitter. Criteria: Invitae Variant Classification Sherloc (09022015). Collection method: clinical testing. Allele origin: germline.
Comment: This sequence change replaces threonine, which is neutral and polar, with isoleucine, which is neutral and non-polar, at codon 522 of the ATL3 protein (p.Thr522Ile). This variant is present in population databases (rs767824020, gnomAD 0.007%). This variant has not been reported in the literature in individuals affected with ATL3-related conditions. ClinVar contains an entry for this variant (Variation ID: 649793). An algorithm developed to predict the effect of missense changes on protein structure and function (PolyPhen-2) suggests that this variant is likely to be tolerated. In summary, the available evidence is currently insufficient to determine the role of this variant in disease. Therefore, it has been classified as a Variant of Uncertain Significance.

Revvity Omics, Revvity
Classification: Uncertain significance for Neuropathy, hereditary sensory, type 1F. Last evaluated: 2020-10-16. Review status: criteria provided, single submitter. Criteria: ACMG Guidelines, 2015. Collection method: clinical testing. Allele origin: germline.